The following is an entry in ClinVar:

ClinVar aggregate classification (germline): Uncertain significance (1 of 4 stars; one submission).

Conditions:
Congenital contractural arachnodactyly (CCA). Also called: BEALS SYNDROME; Beals-Hecht syndrome; Arthrogryposis, distal, type 9. Identifiers: Orphanet 115, MedGen C0220668, MONDO:0007363, OMIM 121050.

gnomAD v4.1: 2 of 1,613,968 alleles (0.00012%); highest among the groups gnomAD compares: Non-Finnish European, 0.00017%; no homozygotes.

Submission:

Labcorp Genetics (formerly Invitae), Labcorp
Classification: Uncertain significance for Congenital contractural arachnodactyly. Last evaluated: 2025-01-12. Review status: criteria provided, single submitter. Criteria: Invitae Variant Classification Sherloc (09022015). Collection method: clinical testing. Allele origin: germline.
Comment: This sequence change replaces glycine, which is neutral and non-polar, with aspartic acid, which is acidic and polar, at codon 1252 of the FBN2 protein (p.Gly1252Asp). This variant is not present in population databases (gnomAD no frequency). This variant has not been reported in the literature in individuals affected with FBN2-related conditions. Invitae Evidence Modeling of protein sequence and biophysical properties (such as structural, functional, and spatial information, amino acid conservation, physicochemical variation, residue mobility, and thermodynamic stability) has been performed for this missense variant. However, the output from this modeling did not meet the statistical confidence thresholds required to predict the impact of this variant on FBN2 protein function. In summary, the available evidence is currently insufficient to determine the role of this variant in disease. Therefore, it has been classified as a Variant of Uncertain Significance.

NM_001999.4(FBN2):c.3755G>A (p.Gly1252Asp)

Gene: FBN2 (fibrillin 2; minus strand). Cytogenetic location: 5q23.3.
Variant type: single nucleotide variant.
Coding change: c.3755G>A on transcript NM_001999.4 (MANE Select); coding-DNA position 3755, G replaced by A.
Protein change: p.Gly1252Asp; replaces glycine 1252 with aspartic acid.
Molecular consequence: missense variant.
Genome position (GRCh38, 1-based): chr5:128,335,547, C>T on the plus strand (G>A on the coding strand, the complement: FBN2 is on the minus strand). VCF-style: chr5-128335547-C-T. GRCh37 (hg19) VCF-style: chr5-127671239-C-T.
Other names: short protein forms G1252D.
Identifiers: ClinVar variation 3683830 (VCV003683830.2).
Genomic context (GRCh38, chr5:128,335,547, plus strand): 5'-TAACCCTCACTGCAGCTGCATTCGTAGCTTCCCTCTGAATTTGTGCACTGGGTGTCACAG[C>T]CTCCGTTCATTATCATACATTCATCAATATCTGTGAAAACAGCATTGCAACCACATTGTC-3'
Protein context (NP_001990.2, residues 1242-1262): DIDECMIMNG[Gly1252Asp]CDTQCTNSEG